The following is an entry in ClinVar:

ClinVar aggregate classification (germline): Uncertain significance. Review status: criteria provided, multiple submitters, no conflicts (2 of 4 stars). 2 submissions from 2 submitters: Uncertain significance (2). Last evaluated 2025-11-07.

Allele frequency attached by ClinVar (database versions not stated): 1000 Genomes Project 30x 0.00016; TOPMed 0.00002; ExAC 0.00002; gnomAD 0.00001; gnomAD exomes 0.00001; 1000 Genomes Project 0.00020.
gnomAD v4.1: 15 of 1,613,706 alleles (0.00093%); highest among the groups gnomAD compares: Admixed American, 0.005%; no homozygotes.

Submissions (2):

Dasa
Classification: Uncertain significance. Last evaluated: 2025-11-07. Review status: criteria provided, single submitter. Criteria: DASA Assertion Criteria. Collection method: clinical testing. Allele origin: germline.
Comment: NM_031935.3(HMCN1):c.15745C>T (p.Arg5249Cys) is a missense variant that results in the substitution of arginine with cysteine. This variant is rare in population databases. Computational prediction algorithms are consistent with a deleterious effect. The currently available literature and clinical evidence are not sufficient to establish a definitive association between this variant and the reported condition. Therefore, this variant is classified as a variant of uncertain significance.

Labcorp Genetics (formerly Invitae), Labcorp
Classification: Uncertain significance. Last evaluated: 2024-02-02. Review status: criteria provided, single submitter. Criteria: Invitae Variant Classification Sherloc (09022015). Collection method: clinical testing. Allele origin: germline.
Comment: This sequence change replaces arginine, which is basic and polar, with cysteine, which is neutral and slightly polar, at codon 5249 of the HMCN1 protein (p.Arg5249Cys). This variant is present in population databases (rs536895474, gnomAD 0.006%). This variant has not been reported in the literature in individuals affected with HMCN1-related conditions. ClinVar contains an entry for this variant (Variation ID: 1912160). An algorithm developed to predict the effect of missense changes on protein structure and function (PolyPhen-2) suggests that this variant is likely to be disruptive. In summary, the available evidence is currently insufficient to determine the role of this variant in disease. Therefore, it has been classified as a Variant of Uncertain Significance.

NM_031935.3(HMCN1):c.15745C>T (p.Arg5249Cys)

Gene: HMCN1 (hemicentin 1; plus strand). Cytogenetic location: 1q31.1.
Variant type: single nucleotide variant.
Coding change: c.15745C>T on transcript NM_031935.3 (MANE Select); coding-DNA position 15745, C replaced by T.
Protein change: p.Arg5249Cys; replaces arginine 5249 with cysteine.
Molecular consequence: missense variant.
Genome position (GRCh38, 1-based): chr1:186,172,062, C>T. VCF-style: chr1-186172062-C-T. GRCh37 (hg19) VCF-style: chr1-186141194-C-T.
Other names: short protein forms R5249C.
Identifiers: ClinVar variation 1912160 (VCV001912160.7), dbSNP rs536895474, ClinGen allele CA1295362.